The following is an entry in ClinVar:

ClinVar aggregate classification (germline): Uncertain significance (1 of 4 stars; one submission).

Allele frequency attached by ClinVar (database versions not stated): ExAC 0.00001; gnomAD 0.00001; gnomAD exomes below 0.00001; TOPMed below 0.00001.
gnomAD v4.1: 3 of 1,612,458 alleles (0.00019%); highest among the groups gnomAD compares: Non-Finnish European, 0.00025%; no homozygotes.

Submission:

Labcorp Genetics (formerly Invitae), Labcorp
Classification: Uncertain significance. Last evaluated: 2025-03-05. Review status: criteria provided, single submitter. Criteria: Invitae Variant Classification Sherloc (09022015). Collection method: clinical testing. Allele origin: germline.
Comment: This sequence change replaces threonine, which is neutral and polar, with alanine, which is neutral and non-polar, at codon 249 of the GDF5 protein (p.Thr249Ala). This variant is present in population databases (rs772242764, gnomAD 0.0009%). This variant has not been reported in the literature in individuals affected with GDF5-related conditions. ClinVar contains an entry for this variant (Variation ID: 2997827). Invitae Evidence Modeling of protein sequence and biophysical properties (such as structural, functional, and spatial information, amino acid conservation, physicochemical variation, residue mobility, and thermodynamic stability) indicates that this missense variant is not expected to disrupt GDF5 protein function with a negative predictive value of 80%. In summary, the available evidence is currently insufficient to determine the role of this variant in disease. Therefore, it has been classified as a Variant of Uncertain Significance.

NM_000557.5(GDF5):c.745A>G (p.Thr249Ala)

Gene: GDF5 (growth differentiation factor 5; minus strand). Cytogenetic location: 20q11.22.
Variant type: single nucleotide variant.
Coding change: c.745A>G on transcript NM_000557.5 (MANE Select); coding-DNA position 745, A replaced by G.
Protein change: p.Thr249Ala; replaces threonine 249 with alanine.
Molecular consequence: missense variant.
Genome position (GRCh38, 1-based): chr20:35,434,670, T>C on the plus strand (A>G on the coding strand, the complement: GDF5 is on the minus strand). VCF-style: chr20-35434670-T-C. GRCh37 (hg19) VCF-style: chr20-34022468-T-C.
Other names: c.745A>G, p.Thr249Ala (NM_001319138.2); short protein forms T249A.
Identifiers: ClinVar variation 2997827 (VCV002997827.3), dbSNP rs772242764, ClinGen allele CA9832244.
Genomic context (GRCh38, chr20:35,434,670, plus strand): 5'-GGCAGCTGGACAGCTTCAGCTGGGCAGCCCGCCCGCCTCCGGGGGCCGCTGGCTTGGCCG[T>C]GTCCGAGGGCTTCTTCCGCAAGATCCGCAGCTCGGCCCCCAGCAGCCCATCCTTCTCCAG-3'
Protein context (NP_000548.2, residues 239-259): LRILRKKPSD[Thr249Ala]AKPAAPGGGR